The following is an entry in ClinVar:

ClinVar aggregate classification (germline): Uncertain significance (1 of 4 stars; one submission).

Conditions:
Inborn genetic diseases. Identifiers: MedGen C0950123, MeSH D030342.

Submission:

Ambry Genetics
Classification: Uncertain significance for Inborn genetic diseases. Last evaluated: 2026-06-24. Review status: criteria provided, single submitter. Criteria: Ambry Variant Classification Scheme 2023. Collection method: clinical testing. Allele origin: germline.
Comment: The p.S20P variant (also known as c.58T>C), located in coding exon 1 of the FANCM gene, results from a T to C substitution at nucleotide position 58. The serine at codon 20 is replaced by proline, an amino acid with similar properties. This amino acid position is conserved. In addition, this alteration is predicted to be tolerated by in silico analysis. Based on the available evidence, the clinical significance of this variant remains unclear.

NM_020937.4(FANCM):c.58T>C (p.Ser20Pro)

Genes: FANCM (FA complementation group M; plus strand), LOC130055524 (ATAC-STARR-seq lymphoblastoid active region 8299; plus strand). Cytogenetic location: 14q21.2.
Variant type: single nucleotide variant.
Coding change: c.58T>C on transcript NM_020937.4 (MANE Select); coding-DNA position 58, T replaced by C.
Protein change: p.Ser20Pro; replaces serine 20 with proline.
Molecular consequence: missense variant.
Genome position (GRCh38, 1-based): chr14:45,136,089, T>C. VCF-style: chr14-45136089-T-C. GRCh37 (hg19) VCF-style: chr14-45605292-T-C.
Other names: c.58T>C, p.Ser20Pro (NM_001308133.2, NM_001308134.2); short protein forms S20P.
Identifiers: ClinVar variation 5036576 (VCV005036576.1).